The following is an entry in ClinVar:

NM_001012614.2(CTBP1):c.1144A>G (p.Ile382Val)

Genes: CTBP1 (C-terminal binding protein 1; minus strand), CTBP1-AS (CTBP1 antisense RNA; plus strand). Cytogenetic location: 4p16.3.
Variant type: single nucleotide variant.
Coding change: c.1144A>G on transcript NM_001012614.2 (MANE Select); coding-DNA position 1144, A replaced by G.
Protein change: p.Ile382Val; replaces isoleucine 382 with valine.
Molecular consequence: missense variant. On other transcripts: non-coding transcript variant (1).
Genome position (GRCh38, 1-based): chr4:1,212,386, T>C on the plus strand (A>G on the coding strand, the complement: CTBP1 is on the minus strand). VCF-style: chr4-1212386-T-C. GRCh37 (hg19) VCF-style: chr4-1206174-T-C.
Other names: c.1177A>G, p.Ile393Val (NM_001328.3); c.1180A>G, p.Ile394Val (NM_001377186.1); c.1147A>G, p.Ile383Val (NM_001377187.1, NM_001377188.1, NM_001377189.1 and 1 more transcripts); c.1144A>G, p.Ile382Val (NM_001377191.1, NM_001377192.1, NM_001377193.1); short protein forms I382V, I393V, I394V, I383V.
Identifiers: ClinVar variation 1994820 (VCV001994820.4), dbSNP rs2535013272, ClinGen allele CA355944370.

ClinVar aggregate classification (germline): Uncertain significance (1 of 4 stars; one submission).

Submission:

Labcorp Genetics (formerly Invitae), Labcorp
Classification: Uncertain significance. Last evaluated: 2024-10-29. Review status: criteria provided, single submitter. Criteria: Invitae Variant Classification Sherloc (09022015). Collection method: clinical testing. Allele origin: germline.
Comment: This sequence change replaces isoleucine, which is neutral and non-polar, with valine, which is neutral and non-polar, at codon 393 of the CTBP1 protein (p.Ile393Val). This variant is not present in population databases (gnomAD no frequency). This variant has not been reported in the literature in individuals affected with CTBP1-related conditions. ClinVar contains an entry for this variant (Variation ID: 1994820). An algorithm developed to predict the effect of missense changes on protein structure and function (PolyPhen-2) suggests that this variant is likely to be tolerated. In summary, the available evidence is currently insufficient to determine the role of this variant in disease. Therefore, it has been classified as a Variant of Uncertain Significance.